The following is an entry in ClinVar:

ClinVar aggregate classification (germline): Uncertain significance (1 of 4 stars; one submission).

Submission:

GeneDx
Classification: Uncertain significance. Last evaluated: 2025-05-19. Review status: criteria provided, single submitter. Criteria: GeneDx Variant Classification Process June 2021. Collection method: clinical testing. Allele origin: germline. Affected: yes.
Comment: Not observed at significant frequency in large population cohorts (gnomAD); In silico analysis suggests that this missense variant does not alter protein structure/function; Has not been previously published as pathogenic or benign to our knowledge

NM_016333.4(SRRM2):c.6871A>C (p.Thr2291Pro)

Gene: SRRM2 (serine/arginine repetitive matrix 2; plus strand). Cytogenetic location: 16p13.3.
Variant type: single nucleotide variant.
Coding change: c.6871A>C on transcript NM_016333.4 (MANE Select); coding-DNA position 6871, A replaced by C.
Protein change: p.Thr2291Pro; replaces threonine 2291 with proline.
Molecular consequence: missense variant.
Genome position (GRCh38, 1-based): chr16:2,767,399, A>C. VCF-style: chr16-2767399-A-C. GRCh37 (hg19) VCF-style: chr16-2817400-A-C.
Other names: short protein forms T2291P.
Identifiers: ClinVar variation 4530999 (VCV004530999.1).
Genomic context (GRCh38, chr16:2,767,399, plus strand): 5'-GCCAGCCCCAGAACAGCGGTGGCACCTTCGGCTGTGAACCTGGCTGACCCTCGCACTCCC[A>C]CAGCCCCAGCTGTGAACCTAGCAGGGGCCAGAACCCCAGCTGCCTTGGCAGCTCTGAGTC-3'
Protein context (NP_057417.3, residues 2281-2301): AVNLADPRTP[Thr2291Pro]APAVNLAGAR